The following is an entry in ClinVar:

ClinVar aggregate classification (germline): Conflicting classifications of pathogenicity. Review status: criteria provided, conflicting classifications (1 of 4 stars). 5 submissions from 5 submitters: Uncertain significance (1); Likely benign (3). 1 of the submissions does not count toward it. Last evaluated 2026-01-13.

Conditions:
Inborn genetic diseases. Identifiers: MedGen C0950123, MeSH D030342.
CAPN5-related disorder. Also called: CAPN5-related condition.

Allele frequency attached by ClinVar (database versions not stated): 1000 Genomes Project 30x 0.00016; gnomAD 0.00095 and 0.00101; gnomAD exomes 0.00095 and 0.00158; ESP Exome Variant Server 0.00109; ExAC 0.00141; 1000 Genomes Project 0.00020; TOPMed 0.00079.
gnomAD v4.1: 2,335 of 1,544,826 alleles (0.15%); highest among the groups gnomAD compares: Non-Finnish European, 0.18%; no homozygotes.

Submissions (5):

Labcorp Genetics (formerly Invitae), Labcorp
Classification: Likely benign. Last evaluated: 2026-01-13. Review status: criteria provided, single submitter. Criteria: Invitae Variant Classification Sherloc (09022015). Collection method: clinical testing. Allele origin: germline.

Blueprint Genetics
Classification: Likely benign. Last evaluated: 2024-11-11. Review status: criteria provided, single submitter. Criteria: ACMG Guidelines, 2015. Collection method: clinical testing. Allele origin: germline.

Ambry Genetics
Classification: Uncertain significance for Inborn genetic diseases. Last evaluated: 2022-06-03. Review status: criteria provided, single submitter. Criteria: Ambry Variant Classification Scheme 2023. Collection method: clinical testing. Allele origin: germline.

Breakthrough Genomics
Classification: Likely benign. Review status: criteria provided, single submitter. Criteria: ACMG Guidelines, 2015. Collection method: not provided. Allele origin: germline. Inheritance: Autosomal dominant inheritance. Affected: yes.

PreventionGenetics, part of Exact Sciences
Classification: Likely benign for CAPN5-related condition. Last evaluated: 2022-05-13. Review status: no assertion criteria provided. Collection method: clinical testing. Allele origin: germline. Not counted in ClinVar's aggregate classification.
Comment: This variant is classified as likely benign based on ACMG/AMP sequence variant interpretation guidelines (Richards et al. 2015 PMID: 25741868, with internal and published modifications).

NM_004055.5(CAPN5):c.1495C>T (p.Arg499Cys)

Gene: CAPN5 (calpain 5; plus strand). Cytogenetic location: 11q13.5.
Variant type: single nucleotide variant.
Coding change: c.1495C>T on transcript NM_004055.5 (MANE Select); coding-DNA position 1495, C replaced by T.
Protein change: p.Arg499Cys; replaces arginine 499 with cysteine.
Molecular consequence: missense variant.
Genome position (GRCh38, 1-based): chr11:77,121,941, C>T. VCF-style: chr11-77121941-C-T. GRCh37 (hg19) VCF-style: chr11-76832987-C-T.
Other names: short protein forms R499C.
Identifiers: ClinVar variation 789210 (VCV000789210.16), dbSNP rs151286594, ClinGen allele CA6196838.
Genomic context (GRCh38, chr11:77,121,941, plus strand): 5'-TGTCTTCCTGGCCCTTCTCCATCACTCCCCTCTCCCCTGCCGCCCCATATCAGGGAGCTG[C>T]GCCTGGATGAGCCCCCACACACCTGCTGGAGCTCCCTCTGTGGCTACCCCCAGCTGGTGA-3'
Protein context (NP_004046.2, residues 489-509): TDVPSNCREL[Arg499Cys]LDEPPHTCWS